The following is an entry in ClinVar:

NM_002968.3(SALL1):c.2274T>C (p.Ala758=)

Gene: SALL1 (spalt like transcription factor 1; minus strand). Cytogenetic location: 16q12.1.
Variant type: single nucleotide variant.
Coding change: c.2274T>C on transcript NM_002968.3 (MANE Select); coding-DNA position 2274, T replaced by C.
Protein change: p.Ala758=; no amino-acid change (alanine 758 retained).
Molecular consequence: synonymous variant.
Genome position (GRCh38, 1-based): chr16:51,139,948, A>G on the plus strand (T>C on the coding strand, the complement: SALL1 is on the minus strand). VCF-style: chr16-51139948-A-G. GRCh37 (hg19) VCF-style: chr16-51173859-A-G.
Other names: c.1983T>C, p.Ala661= (NM_001127892.2).
Identifiers: ClinVar variation 4280945 (VCV004280945.8).

ClinVar aggregate classification (germline): Likely benign. Review status: criteria provided, multiple submitters, no conflicts (2 of 4 stars). 2 submissions from 2 submitters: Likely benign (2). Last evaluated 2025-09-01.

gnomAD v4.1: 30 of 1,614,130 alleles (0.0019%); highest among the groups gnomAD compares: Non-Finnish European, 0.0024%; no homozygotes.

Submissions (2):

CeGaT Center for Human Genetics Tuebingen
Classification: Likely benign. Last evaluated: 2025-09-01. Review status: criteria provided, single submitter. Criteria: CeGaT Center For Human Genetics Tuebingen Variant Classification Criteria Version 2. Collection method: clinical testing. Allele origin: germline. Affected: yes. Observed: 1 variant allele.
Comment: SALL1: BP4, BP7

Blueprint Genetics
Classification: Likely benign. Last evaluated: 2023-08-23. Review status: criteria provided, single submitter. Criteria: ACMG Guidelines, 2015. Collection method: clinical testing. Allele origin: germline.